The following is an entry in ClinVar:

NM_001991.5(EZH1):c.2149A>G (p.Ile717Val)

Gene: EZH1 (enhancer of zeste 1 polycomb repressive complex 2 subunit; minus strand). Cytogenetic location: 17q21.2.
Variant type: single nucleotide variant.
Coding change: c.2149A>G on transcript NM_001991.5 (MANE Select); coding-DNA position 2149, A replaced by G.
Protein change: p.Ile717Val; replaces isoleucine 717 with valine.
Molecular consequence: missense variant.
Genome position (GRCh38, 1-based): chr17:42,702,911, T>C on the plus strand (A>G on the coding strand, the complement: EZH1 is on the minus strand). VCF-style: chr17-42702911-T-C. GRCh37 (hg19) VCF-style: chr17-40854929-T-C.
Other names: c.2167A>G, p.Ile723Val (NM_001321079.2); c.2122A>G, p.Ile708Val (NM_001321081.2); c.2029A>G, p.Ile677Val (NM_001321082.2); short protein forms I677V, I708V, I717V, I723V.
Identifiers: ClinVar variation 4831869 (VCV004831869.1).
Genomic context (GRCh38, chr17:42,702,911, plus strand): 5'-CCCAAGGACCATTACTGGCACCTCACCTGTAATCAAAGAAGAGCTCTTCGCCAGCTTGAA[T>C]TGCCCTCTTGGCAAAGATCCCAATCCGATGGTCTCCATTCACCATGACCACTGCAAGCAG-3'
Protein context (NP_001982.2, residues 707-727): HRIGIFAKRA[Ile717Val]QAGEELFFDY

ClinVar aggregate classification (germline): Uncertain significance (1 of 4 stars; one submission).

gnomAD v4.1: 3 of 1,614,084 alleles (0.00019%); highest among the groups gnomAD compares: South Asian, 0.0011%; no homozygotes.

Submission:

Ambry Genetics
Classification: Uncertain significance. Last evaluated: 2026-02-23. Review status: criteria provided, single submitter. Criteria: Ambry Variant Classification Scheme 2023. Collection method: clinical testing. Allele origin: germline.
Comment: The c.2149A>G (p.I717V) alteration is located in exon 20 (coding exon 18) of the EZH1 gene. This alteration results from a A to G substitution at nucleotide position 2149, causing the isoleucine (I) at amino acid position 717 to be replaced by a valine (V). Based on data from gnomAD, the G allele has an overall frequency of <0.001% (1/251356) total alleles studied. The highest observed frequency was 0.001% (1/113682) of European (non-Finnish) alleles. Based on insufficient or conflicting evidence, the clinical significance of this alteration remains unclear.